The following is an entry in ClinVar:

ClinVar aggregate classification (germline): Uncertain significance (1 of 4 stars; one submission).

Conditions:
Muscular dystrophy-dystroglycanopathy (congenital with brain and eye anomalies), type A14. Also called: WALKER-WARBURG SYNDROME OR MUSCLE-EYE-BRAIN DISEASE, GMPPB-RELATED; Congenital Muscular Dystrophy-Dystroglycanopathy with Brain and Eye Anomalies Type A 14; Congenital muscular dystrophy-dystroglycanopathy with brain and eye anomalies, type A14; Muscular dystrophy-dystroglycanopathy (congenital with brain and eye anomalies), type a, 14. Identifiers: Orphanet 588, MedGen C3809216, MONDO:0014140, OMIM 615350.
Muscular dystrophy-dystroglycanopathy (congenital with impaired intellectual development), type B, 14. Also called: Muscular dystrophy-dystroglycanopathy (congenital with intellectual disability), type B14; MUSCULAR DYSTROPHY, CONGENITAL, GMPPB-RELATED; Congenital muscular dystrophy-dystroglycanopathy with mental retardation, type B14. Identifiers: MedGen C3809221, MONDO:0014141, OMIM 615351.
Autosomal recessive limb-girdle muscular dystrophy type 2T. Also called: MUSCULAR DYSTROPHY-DYSTROGLYCANOPATHY, LIMB-GIRDLE, GMPPB-RELATED; Limb-girdle muscular dystrophy-dystroglycanopathy, type C14; MUSCULAR DYSTROPHY, LIMB-GIRDLE, TYPE 2T; Muscular dystrophy-dystroglycanopathy (limb-girdle), type c, 14. Identifiers: Orphanet 363623, MedGen C4518000, MONDO:0014142, OMIM 615352.

Submission:

Labcorp Genetics (formerly Invitae), Labcorp
Classification: Uncertain significance for Autosomal recessive limb-girdle muscular dystrophy type 2T; Muscular dystrophy-dystroglycanopathy (congenital with brain and eye anomalies), type A14; Muscular dystrophy-dystroglycanopathy (congenital with impaired intellectual development), type B, 14. Last evaluated: 2022-07-05. Review status: criteria provided, single submitter. Criteria: Invitae Variant Classification Sherloc (09022015). Collection method: clinical testing. Allele origin: germline.
Comment: This sequence change replaces asparagine, which is neutral and polar, with tyrosine, which is neutral and polar, at codon 333 of the GMPPB protein (p.Asn333Tyr). This variant is not present in population databases (gnomAD no frequency). This variant has not been reported in the literature in individuals affected with GMPPB-related conditions. ClinVar contains an entry for this variant (Variation ID: 935158). Algorithms developed to predict the effect of missense changes on protein structure and function are either unavailable or do not agree on the potential impact of this missense change (SIFT: "Deleterious"; PolyPhen-2: "Benign"; Align-GVGD: "Class C0"). In summary, the available evidence is currently insufficient to determine the role of this variant in disease. Therefore, it has been classified as a Variant of Uncertain Significance.

NM_021971.4(GMPPB):c.997A>T (p.Asn333Tyr)

Gene: GMPPB (GDP-mannose pyrophosphorylase B; minus strand). Cytogenetic location: 3p21.31.
Variant type: single nucleotide variant.
Coding change: c.997A>T on transcript NM_021971.4 (MANE Select); coding-DNA position 997, A replaced by T.
Protein change: p.Asn333Tyr; replaces asparagine 333 with tyrosine.
Molecular consequence: missense variant.
Genome position (GRCh38, 1-based): chr3:49,721,838, T>A on the plus strand (A>T on the coding strand, the complement: GMPPB is on the minus strand). VCF-style: chr3-49721838-T-A. GRCh37 (hg19) VCF-style: chr3-49759271-T-A.
Other names: c.1078A>T, p.Asn360Tyr (NM_013334.4); short protein forms N333Y, N360Y.
Identifiers: ClinVar variation 935158 (VCV000935158.7), dbSNP rs2080415182, ClinGen allele CA352826181.
Genomic context (GRCh38, chr3:49,721,838, plus strand): 5'-CTGACTCGCCAATAGACTTGTGGGGCAGCACGCTGGCTCCGTTGAGGTAGAGCTCATCAT[T>A]AACTATGACGTCCTCACCCAGCACTGTCACGTTCTCCATGCGTACCTCCAGGAGAGGATA-3'
Protein context (NP_068806.2, residues 323-343): VTVLGEDVIV[Asn333Tyr]DELYLNGASV